The following is an entry in ClinVar:

NM_001267550.2(TTN):c.14551A>G (p.Ile4851Val)

Gene: TTN (titin; minus strand). Cytogenetic location: 2q31.2.
Variant type: single nucleotide variant.
Coding change: c.14551A>G on transcript NM_001267550.2 (MANE Select); coding-DNA position 14551, A replaced by G.
Protein change: p.Ile4851Val; replaces isoleucine 4851 with valine.
Molecular consequence: missense variant. On other transcripts: intron variant (3).
Genome position (GRCh38, 1-based): chr2:178,735,895, T>C on the plus strand (A>G on the coding strand, the complement: TTN is on the minus strand). VCF-style: chr2-178735895-T-C. GRCh37 (hg19) VCF-style: chr2-179600622-T-C.
Other names: c.13600A>G, p.Ile4534Val (NM_001256850.1); c.10819A>G, p.Ile3607Val (NM_133378.4); c.13282+2187A>G (NM_003319.4); c.13858+2187A>G (NM_133437.4); c.13657+2187A>G (NM_133432.3); short protein forms I4534V, I4851V, I3607V.
Identifiers: ClinVar variation 4987910 (VCV004987910.1).

ClinVar aggregate classification (germline): Uncertain significance (1 of 4 stars; one submission).

Conditions:
TTN-related disorder. Also called: TTN-related disorders; TTN-related condition; TTN-related disease.

gnomAD v4.1: 4 of 1,613,738 alleles (0.00025%); highest among the groups gnomAD compares: South Asian, 0.0011%; no homozygotes.

Submission:

PreventionGenetics, part of Exact Sciences
Classification: Uncertain significance for TTN-related condition. Last evaluated: 2026-06-12. Review status: criteria provided, single submitter. Criteria: ACMG Guidelines, 2015. Collection method: clinical testing. Allele origin: germline.
Comment: The TTN c.14551A>G variant is predicted to result in the amino acid substitution p.Ile4851Val. To our knowledge, this variant has not been reported in the literature or in a large population database (gnomAD), indicating this variant is rare. At this time, the clinical significance of this variant is uncertain due to the absence of conclusive functional and genetic evidence.